The following is an entry in ClinVar:

NM_152468.5(TMC8):c.106G>A (p.Val36Met)

Genes: TMC6 (transmembrane channel like 6; minus strand), TMC8 (transmembrane channel like 8; plus strand), LOC130061792 (ATAC-STARR-seq lymphoblastoid silent region 9043; plus strand). Cytogenetic location: 17q25.3.
Variant type: single nucleotide variant.
Coding change: c.106G>A on transcript NM_152468.5 (MANE Select); coding-DNA position 106, G replaced by A.
Protein change: p.Val36Met; replaces valine 36 with methionine.
Molecular consequence: missense variant. On other transcripts: intron variant (1).
Genome position (GRCh38, 1-based): chr17:78,131,694, G>A. VCF-style: chr17-78131694-G-A. GRCh37 (hg19) VCF-style: chr17-76127775-G-A.
Other names: c.-75+647C>T (NM_007267.7); short protein forms V36M.
Identifiers: ClinVar variation 848446 (VCV000848446.9), dbSNP rs753691901, ClinGen allele CA8796335.

ClinVar aggregate classification (germline): Uncertain significance. Review status: criteria provided, multiple submitters, no conflicts (2 of 4 stars). 3 submissions from 3 submitters: Uncertain significance (3). Last evaluated 2025-11-13.

Conditions:
Inborn genetic diseases. Identifiers: MedGen C0950123, MeSH D030342.
Epidermodysplasia verruciformis. Identifiers: Orphanet 302, MedGen C0014522, MONDO:0009176.

Allele frequency attached by ClinVar (database versions not stated): TOPMed 0.00014; gnomAD exomes 0.00004 and 0.00013; gnomAD 0.00013; ExAC 0.00017.
gnomAD v4.1: 96 of 1,579,540 alleles (0.0061%); highest among the groups gnomAD compares: Middle Eastern, 0.067%; no homozygotes.

Submissions (3):

Ambry Genetics
Classification: Uncertain significance for Inborn genetic diseases. Last evaluated: 2025-11-13. Review status: criteria provided, single submitter. Criteria: Ambry Variant Classification Scheme 2023. Collection method: clinical testing. Allele origin: germline.

Labcorp Genetics (formerly Invitae), Labcorp
Classification: Uncertain significance for Epidermodysplasia verruciformis. Last evaluated: 2024-10-22. Review status: criteria provided, single submitter. Criteria: Invitae Variant Classification Sherloc (09022015). Collection method: clinical testing. Allele origin: germline.
Comment: This sequence change replaces valine, which is neutral and non-polar, with methionine, which is neutral and non-polar, at codon 36 of the TMC8 protein (p.Val36Met). This variant is present in population databases (rs753691901, gnomAD 0.04%). This variant has not been reported in the literature in individuals affected with TMC8-related conditions. ClinVar contains an entry for this variant (Variation ID: 848446). Invitae Evidence Modeling of protein sequence and biophysical properties (such as structural, functional, and spatial information, amino acid conservation, physicochemical variation, residue mobility, and thermodynamic stability) indicates that this missense variant is not expected to disrupt TMC8 protein function with a negative predictive value of 80%. In summary, the available evidence is currently insufficient to determine the role of this variant in disease. Therefore, it has been classified as a Variant of Uncertain Significance.

Blueprint Genetics
Classification: Uncertain significance. Last evaluated: 2024-04-05. Review status: criteria provided, single submitter. Criteria: ACMG Guidelines, 2015. Collection method: clinical testing. Allele origin: germline.